The following is an entry in ClinVar:

ClinVar aggregate classification (germline): Benign/Likely benign. Review status: criteria provided, multiple submitters, no conflicts (2 of 4 stars). 7 submissions from 7 submitters: Benign (1); Likely benign (5). 1 of the submissions does not count toward it. Last evaluated 2025-12-23.

Conditions:
Familial adenomatous polyposis 1 (FAP1). Also called: POLYPOSIS, ADENOMATOUS INTESTINAL; FAMILIAL ADENOMATOUS POLYPOSIS 1, ATTENUATED. Identifiers: MedGen C2713442, MONDO:0021056, OMIM 175100. Disease mechanism: loss of function.
APC-related disorder. Also called: APC-related condition.
Hereditary cancer-predisposing syndrome. Also called: Tumor predisposition; Hereditary Cancer Syndrome; Neoplastic Syndromes, Hereditary; Hereditary neoplastic syndrome. Identifiers: Orphanet 140162, MedGen C0027672, MeSH D009386, MONDO:0015356.
Classic or attenuated familial adenomatous polyposis. Identifiers: MedGen CN372698, MONDO:0021057.

Allele frequency attached by ClinVar (database versions not stated): TOPMed 0.00001; gnomAD 0.00003; gnomAD exomes 0.00007 and 0.00017; 1000 Genomes Project 30x 0.00016; 1000 Genomes Project 0.00020; ExAC 0.00031.
gnomAD v4.1: 123 of 1,614,164 alleles (0.0076%); highest among the groups gnomAD compares: Non-Finnish European, 0.0055%; no homozygotes.

Submissions (7):

Labcorp Genetics (formerly Invitae), Labcorp
Classification: Likely benign for Familial adenomatous polyposis 1. Last evaluated: 2025-12-23. Review status: criteria provided, single submitter. Criteria: Invitae Variant Classification Sherloc (09022015). Collection method: clinical testing. Allele origin: germline.

All of Us Research Program, National Institutes of Health
Classification: Likely benign for Classic or attenuated familial adenomatous polyposis. Last evaluated: 2024-05-30. Review status: criteria provided, single submitter. Criteria: ACMG Guidelines, 2015. Collection method: clinical testing. Allele origin: germline. Inheritance: Autosomal dominant inheritance. Observed: 2 variant alleles, 2 heterozygotes.
Comment: This study involves interpretation of variants in research participants for the purpose of population health screening. Participant phenotype was not available at the time of variant classification. Additional details can be found in publication PMID: 35346344, PMCID: PMC8962531

Myriad Genetics, Inc.
Classification: Benign for Familial adenomatous polyposis 1. Last evaluated: 2024-03-22. Review status: criteria provided, single submitter. Criteria: Myriad Autosomal Dominant, Autosomal Recessive and X-Linked Classification Criteria (2023). Collection method: clinical testing. Allele origin: unknown.
Comment: This variant is considered benign. This variant is a silent/synonymous amino acid change and it is not expected to impact splicing.

Blueprint Genetics
Classification: Likely benign. Last evaluated: 2023-07-20. Review status: criteria provided, single submitter. Criteria: ACMG Guidelines, 2015. Collection method: clinical testing. Allele origin: germline.

Color Diagnostics, LLC DBA Color Health
Classification: Likely benign for Hereditary cancer-predisposing syndrome. Last evaluated: 2017-02-13. Review status: criteria provided, single submitter. Criteria: ACMG Guidelines, 2015. Collection method: clinical testing. Allele origin: germline.

Ambry Genetics
Classification: Likely benign for Hereditary cancer-predisposing syndrome. Last evaluated: 2015-04-10. Review status: criteria provided, single submitter. Criteria: Ambry Variant Classification Scheme 2023. Collection method: clinical testing. Allele origin: germline.

PreventionGenetics, part of Exact Sciences
Classification: Likely benign for APC-related condition. Last evaluated: 2022-06-22. Review status: no assertion criteria provided. Collection method: clinical testing. Allele origin: germline. Not counted in ClinVar's aggregate classification.
Comment: This variant is classified as likely benign based on ACMG/AMP sequence variant interpretation guidelines (Richards et al. 2015 PMID: 25741868, with internal and published modifications).

NM_000038.6(APC):c.3933T>C (p.Ile1311=)

Gene: APC (APC regulator of Wnt signaling pathway; plus strand). Cytogenetic location: 5q22.2.
Variant type: single nucleotide variant.
Coding change: c.3933T>C on transcript NM_000038.6 (MANE Select); coding-DNA position 3933, T replaced by C.
Protein change: p.Ile1311=; no amino-acid change (isoleucine 1311 retained).
Molecular consequence: synonymous variant.
Genome position (GRCh38, 1-based): chr5:112,839,527, T>C. VCF-style: chr5-112839527-T-C. GRCh37 (hg19) VCF-style: chr5-112175224-T-C.
Other names: c.3933T>C, p.Ile1311= (NM_001127510.3, NM_001354895.2); c.3879T>C, p.Ile1293= (NM_001127511.3); c.3987T>C, p.Ile1329= (NM_001354896.2); c.3963T>C, p.Ile1321= (NM_001354897.2); c.3858T>C, p.Ile1286= (NM_001354898.2); c.3849T>C, p.Ile1283= (NM_001354899.2); c.3810T>C, p.Ile1270= (NM_001354900.2); c.3756T>C, p.Ile1252= (NM_001354901.2); and 5 more.
Identifiers: ClinVar variation 490271 (VCV000490271.24), dbSNP rs201706728, ClinGen allele CA037072.